The following is an entry in ClinVar:

NM_014915.3(ANKRD26):c.4159G>T (p.Asp1387Tyr)

Gene: ANKRD26 (ankyrin repeat domain containing 26; minus strand). Cytogenetic location: 10p12.1.
Variant type: single nucleotide variant.
Coding change: c.4159G>T on transcript NM_014915.3 (MANE Select); coding-DNA position 4159, G replaced by T.
Protein change: p.Asp1387Tyr; replaces aspartic acid 1387 with tyrosine.
Molecular consequence: missense variant.
Genome position (GRCh38, 1-based): chr10:27,022,614, C>A on the plus strand (G>T on the coding strand, the complement: ANKRD26 is on the minus strand). VCF-style: chr10-27022614-C-A. GRCh37 (hg19) VCF-style: chr10-27311543-C-A.
Other names: c.4156G>T, p.Asp1386Tyr (NM_001256053.2); short protein forms D1386Y, D1387Y.
Identifiers: ClinVar variation 3396861 (VCV003396861.1).

ClinVar aggregate classification (germline): Uncertain significance (1 of 4 stars; one submission).

Conditions:
Inborn genetic diseases. Identifiers: MedGen C0950123, MeSH D030342.

Submission:

Ambry Genetics
Classification: Uncertain significance for Inborn genetic diseases. Last evaluated: 2024-11-27. Review status: criteria provided, single submitter. Criteria: Ambry Variant Classification Scheme 2023. Collection method: clinical testing. Allele origin: germline.
Comment: The p.D1387Y variant (also known as c.4159G>T), located in coding exon 29 of the ANKRD26 gene, results from a G to T substitution at nucleotide position 4159. The aspartic acid at codon 1387 is replaced by tyrosine, an amino acid with highly dissimilar properties. This amino acid position is conserved. In addition, the in silico prediction for this alteration is inconclusive. Based on the available evidence, the clinical significance of this variant remains unclear.